The following is an entry in ClinVar:

ClinVar aggregate classification (germline): Uncertain significance (1 of 4 stars; one submission).

gnomAD v4.1: 2 of 1,613,986 alleles (0.00012%); highest among the groups gnomAD compares: Non-Finnish European, 0.000085%; no homozygotes.

Submission:

Labcorp Genetics (formerly Invitae), Labcorp
Classification: Uncertain significance. Last evaluated: 2020-11-05. Review status: criteria provided, single submitter. Criteria: Invitae Variant Classification Sherloc (09022015). Collection method: clinical testing. Allele origin: germline.
Comment: In summary, the available evidence is currently insufficient to determine the role of this variant in disease. Therefore, it has been classified as a Variant of Uncertain Significance. Algorithms developed to predict the effect of sequence changes on RNA splicing suggest that this variant may create or strengthen a splice site, but this prediction has not been confirmed by published transcriptional studies. This variant has not been reported in the literature in individuals with SPP2-related conditions. This variant is not present in population databases (ExAC no frequency). This sequence change affects codon 181 of the SPP2 mRNA. It is a 'silent' change, meaning that it does not change the encoded amino acid sequence of the SPP2 protein.

NM_006944.3(SPP2):c.541C>A (p.Arg181=)

Gene: SPP2 (secreted phosphoprotein 2; plus strand). Cytogenetic location: 2q37.1.
Variant type: single nucleotide variant.
Coding change: c.541C>A on transcript NM_006944.3 (MANE Select); coding-DNA position 541, C replaced by A.
Protein change: p.Arg181=; no amino-acid change (arginine 181 retained).
Molecular consequence: synonymous variant.
Genome position (GRCh38, 1-based): chr2:234,067,265, C>A. VCF-style: chr2-234067265-C-A. GRCh37 (hg19) VCF-style: chr2-234975909-C-A.
Identifiers: ClinVar variation 1525553 (VCV001525553.8), dbSNP rs375462993, ClinGen allele CA431875168.